The following is an entry in ClinVar:

ClinVar aggregate classification (germline): Uncertain significance (1 of 4 stars; one submission).

Conditions:
Intellectual developmental disorder with autistic features and language delay, with or without seizures. Identifiers: MedGen C5394447, MONDO:0030051, OMIM 618906.

Submission:

Laboratorio de Genetica e Diagnostico Molecular, Hospital Israelita Albert Einstein
Classification: Uncertain significance for Intellectual developmental disorder with autistic features and language delay, with or without seizures. Last evaluated: 2024-10-11. Review status: criteria provided, single submitter. Criteria: ACMG Guidelines, 2015. Collection method: clinical testing. Allele origin: germline. Affected: yes.
Comment: ACMG classification criteria: PVS1 strong, PM2 supporting

NM_001394998.1(TANC2):c.4862_4863del (p.Arg1621fs)

Gene: TANC2 (tetratricopeptide repeat, ankyrin repeat and coiled-coil containing 2; plus strand). Cytogenetic location: 17q23.3.
Variant type: Deletion.
Coding change: c.4862_4863del on transcript NM_001394998.1 (MANE Select); coding-DNA positions 4862 to 4863, 2 bases deleted (GG; older notation c.4862_4863delGG).
Protein change: p.Arg1621fs; shifts the reading frame from arginine 1621.
Molecular consequence: frameshift variant.
Genome position (GRCh38, 1-based): chr17:63,420,592-63,420,593, GG deleted. VCF-style (leftmost placement, unchanged base first): chr17-63420591-CGG-C. GRCh37 (hg19) VCF-style: chr17-61497952-CGG-C.
Other names: c.4640_4641del, p.Arg1547fs (NM_001411076.1); c.4610_4611del, p.Arg1537fs (NM_025185.4); short protein forms R1537fs, R1547fs, R1621fs.
Identifiers: ClinVar variation 4076239 (VCV004076239.1).